The following is an entry in ClinVar:

ClinVar aggregate classification (germline): Uncertain significance (1 of 4 stars; one submission).

Submission:

Mayo Clinic Laboratories, Mayo Clinic
Classification: Uncertain significance. Last evaluated: 2025-11-14. Review status: criteria provided, single submitter. Criteria: ACMG Guidelines, 2015. Collection method: clinical testing. Allele origin: germline. Observed: 1 variant allele.
Comment: BP4_moderate, PM2_supporting

NM_006929.5(SKIC2):c.2935C>T (p.Pro979Ser)

Gene: SKIC2 (SKI2 subunit of superkiller complex; plus strand). Cytogenetic location: 6p21.33.
Variant type: single nucleotide variant.
Coding change: c.2935C>T on transcript NM_006929.5 (MANE Select); coding-DNA position 2935, C replaced by T.
Protein change: p.Pro979Ser; replaces proline 979 with serine.
Molecular consequence: missense variant.
Genome position (GRCh38, 1-based): chr6:31,968,404, C>T. VCF-style: chr6-31968404-C-T. GRCh37 (hg19) VCF-style: chr6-31936181-C-T.
Other names: p.Pro979Ser; short protein forms P979S.
Identifiers: ClinVar variation 4541112 (VCV004541112.1).